The following is an entry in ClinVar:

ClinVar aggregate classification (germline): Benign. Review status: criteria provided, multiple submitters, no conflicts (2 of 4 stars). 3 submissions from 2 submitters: Benign (3). Last evaluated 2018-01-12.

Conditions:
Primary open angle glaucoma (POAG). Also called: OPTN-related open angle glaucoma. Identifiers: MedGen C0339573, MONDO:0100553, OMIM 137760.
Amyotrophic lateral sclerosis type 12 (ALS12). Also called: AMYOTROPHIC LATERAL SCLEROSIS 12 WITH OR WITHOUT FRONTOTEMPORAL DEMENTIA. Identifiers: Orphanet 803, MedGen C3150692, MONDO:0013264, OMIM 613435.

Allele frequency attached by ClinVar (database versions not stated): 1000 Genomes Project 0.16673; TOPMed 0.17673; 1000 Genomes Project 30x 0.16771; gnomAD exomes 0.18889.
gnomAD v4.1: 26,494 of 152,056 alleles (17%); highest among the groups gnomAD compares: Non-Finnish European, 22%; 2,559 homozygotes.

Submissions (3):

Illumina Laboratory Services, Illumina
Classification: Benign for Primary open angle glaucoma. Last evaluated: 2018-01-12. Review status: criteria provided, single submitter. Criteria: ICSL Variant Classification Criteria 13 December 2019. Collection method: clinical testing. Allele origin: germline.
Comment: This variant was observed in the ICSL laboratory as part of a predisposition screen in an ostensibly healthy population. It had not been previously curated by ICSL or reported in the Human Gene Mutation Database (HGMD: prior to June 1st, 2018), and was therefore a candidate for classification through an automated scoring system. Utilizing variant allele frequency, disease prevalence and penetrance estimates, and inheritance mode, an automated score was calculated to assess if this variant is too frequent to cause the disease. Based on the score and internal cut-off values, a variant classified as benign is not then subjected to further curation. The score for this variant resulted in a classification of benign for this disease.

Illumina Laboratory Services, Illumina
Classification: Benign for Amyotrophic lateral sclerosis type 12. Last evaluated: 2018-01-12. Review status: criteria provided, single submitter. Criteria: ICSL Variant Classification Criteria 13 December 2019. Collection method: clinical testing. Allele origin: germline.
Comment: the same text as in the submission from Illumina Laboratory Services, Illumina above.

Breakthrough Genomics
Classification: Benign. Review status: criteria provided, single submitter. Criteria: ACMG Guidelines, 2015. Collection method: not provided. Allele origin: germline. Inheritance: Autosomal recessive inheritance. Affected: yes.

NM_021980.4(OPTN):c.-227G>T

Genes: OPTN (optineurin; plus strand), LOC130003370 (ATAC-STARR-seq lymphoblastoid silent region 2150; plus strand). Cytogenetic location: 10p13.
Variant type: single nucleotide variant.
Coding change: c.-227G>T on transcript NM_021980.4; 227 bases upstream of the start codon, G replaced by T.
Molecular consequence: 5 prime UTR variant.
Genome position (GRCh38, 1-based): chr10:13,100,087, G>T. VCF-style: chr10-13100087-G-T. GRCh37 (hg19) VCF-style: chr10-13142087-G-T.
Other names: c.-448G>T (NM_001008211.1); c.-433G>T (NM_001008213.1).
Identifiers: ClinVar variation 299201 (VCV000299201.8), dbSNP rs3814657, ClinGen allele CA10631193.